The following is an entry in ClinVar:

ClinVar aggregate classification (germline): Uncertain significance. Review status: criteria provided, multiple submitters, no conflicts (2 of 4 stars). 5 submissions from 5 submitters: Uncertain significance (5). Last evaluated 2024-06-14.

Conditions:
Familial thoracic aortic aneurysm and aortic dissection (TAAD). Also called: Thoracic aortic aneurysms and dissections. Identifiers: Orphanet 91387, MedGen C4707243, MONDO:0019625.
Aneurysm-osteoarthritis syndrome. Also called: LOEYS-DIETZ SYNDROME WITH OSTEOARTHRITIS; SMAD3-Related Loeys-Dietz Syndrome; Loeys-Dietz syndrome, type 1C; ANEURYSMS-OSTEOARTHRITIS SYNDROME. Identifiers: Orphanet 284984, MedGen C3151087, MONDO:0013426, OMIM 613795.

gnomAD v4.1: 1 of 1,613,688 alleles (0.000062%); highest among the groups gnomAD compares: African/African-American, 0.0013%; no homozygotes.

Submissions (5):

GeneDx
Classification: Uncertain significance. Last evaluated: 2024-06-14. Review status: criteria provided, single submitter. Criteria: GeneDx Variant Classification Process June 2021. Collection method: clinical testing. Allele origin: germline. Affected: yes.
Comment: Not observed at significant frequency in large population cohorts (gnomAD); In silico analysis supports that this missense variant has a deleterious effect on protein structure/function; Has not been previously published as pathogenic or benign to our knowledge

All of Us Research Program, National Institutes of Health
Classification: Uncertain significance for Aneurysm-osteoarthritis syndrome. Last evaluated: 2023-06-28. Review status: criteria provided, single submitter. Criteria: ACMG Guidelines, 2015. Collection method: clinical testing. Allele origin: germline. Inheritance: Autosomal dominant inheritance. Observed: 1 variant allele, 1 heterozygote.
Comment: This study involves interpretation of variants in research participants for the purpose of population health screening. Participant phenotype was not available at the time of variant classification. Additional details can be found in publication PMID: 35346344, PMCID: PMC8962531

AiLife Diagnostics
Classification: Uncertain significance. Last evaluated: 2022-02-02. Review status: criteria provided, single submitter. Criteria: ACMG Guidelines, 2015. Collection method: clinical testing. Allele origin: germline. Affected: yes. Observed: 1 variant allele.

Greenwood Genetic Center Diagnostic Laboratories, Greenwood Genetic Center
Classification: Uncertain significance. Last evaluated: 2022-01-24. Review status: criteria provided, single submitter. Criteria: ACMG Guidelines, 2015. Collection method: clinical testing. Allele origin: germline. Affected: yes.
Comment: PM2, PP3

Ambry Genetics
Classification: Uncertain significance for Familial thoracic aortic aneurysm and aortic dissection. Last evaluated: 2021-12-13. Review status: criteria provided, single submitter. Criteria: Ambry Variant Classification Scheme 2023. Collection method: clinical testing. Allele origin: germline.
Comment: The p.E32D variant (also known as c.96G>C), located in coding exon 1 of the SMAD3 gene, results from a G to C substitution at nucleotide position 96. The glutamic acid at codon 32 is replaced by aspartic acid, an amino acid with highly similar properties. This amino acid position is conserved. In addition, the in silico prediction for this alteration is inconclusive. Since supporting evidence is limited at this time, the clinical significance of this alteration remains unclear.

NM_005902.4(SMAD3):c.96G>C (p.Glu32Asp)

Gene: SMAD3 (SMAD family member 3; plus strand). Cytogenetic location: 15q22.33.
Variant type: single nucleotide variant.
Coding change: c.96G>C on transcript NM_005902.4 (MANE Select); coding-DNA position 96, G replaced by C.
Protein change: p.Glu32Asp; replaces glutamic acid 32 with aspartic acid.
Molecular consequence: missense variant.
Genome position (GRCh38, 1-based): chr15:67,066,250, G>C. VCF-style: chr15-67066250-G-C. GRCh37 (hg19) VCF-style: chr15-67358588-G-C.
Other names: c.96G>C (NM_005902.3); c.96G>C, p.Glu32Asp (NM_001407011.1, NM_001407012.1, NM_001407013.1); short protein forms E32D.
Identifiers: ClinVar variation 1676550 (VCV001676550.8), dbSNP rs1450927153, ClinGen allele CA393202878.